The following is an entry in ClinVar:

NM_001374736.1(DST):c.18119G>A (p.Arg6040Gln)

Gene: DST (dystonin; minus strand). Cytogenetic location: 6p12.1.
Variant type: single nucleotide variant.
Coding change: c.18119G>A on transcript NM_001374736.1 (MANE Select); coding-DNA position 18119, G replaced by A.
Protein change: p.Arg6040Gln; replaces arginine 6040 with glutamine.
Molecular consequence: missense variant.
Genome position (GRCh38, 1-based): chr6:56,526,371, C>T on the plus strand (G>A on the coding strand, the complement: DST is on the minus strand). VCF-style: chr6-56526371-C-T. GRCh37 (hg19) VCF-style: chr6-56391169-C-T.
Other names: c.11762G>A, p.Arg3921Gln (NM_001144769.5); c.11348G>A, p.Arg3783Gln (NM_001144770.2); c.18119G>A, p.Arg6040Gln (NM_001374722.1); c.17159G>A, p.Arg5720Gln (NM_001374729.1); c.10901G>A, p.Arg3634Gln (NM_001374730.1); c.18146G>A, p.Arg6049Gln (NM_001374734.1); c.11228G>A, p.Arg3743Gln (NM_001386100.1, NM_183380.4); c.10250G>A, p.Arg3417Gln (NM_015548.5); short protein forms R3634Q, R3783Q, R3921Q, R5720Q, R6040Q, R3417Q, R3743Q, R6049Q.
Identifiers: ClinVar variation 1435009 (VCV001435009.4), dbSNP rs376690317, ClinGen allele CA3867299.
Genomic context (GRCh38, chr6:56,526,371, plus strand): 5'-GAACAGCTGGAGAAAATTTATTGCCTAAACAACAAACCATTTTTCCCTACCTGCTGTGAT[C>T]GCAGAATGGCTGCATCGATCTCCTCCACCTTCTGAGTGATGGTGTCGCTCACTAATCGGT-3'
Protein context (NP_001361665.1, residues 6030-6050): KVEEIDAAIL[Arg6040Gln]SQQFDQAADA

ClinVar aggregate classification (germline): Uncertain significance (1 of 4 stars; one submission).

Conditions:
Hereditary sensory and autonomic neuropathy type 6. Also called: HSAN VI; Neuropathy, hereditary sensory and autonomic, type VI. Identifiers: Orphanet 314381, MedGen C3539003, MONDO:0013839, OMIM 614653.
Epidermolysis bullosa simplex 3, localized or generalized intermediate, with BP230 deficiency (EBS3). Also called: Epidermolysis bullosa simplex, autosomal recessive 2; Epidermolysis bullosa simplex due to BP230 deficiency. Identifiers: Orphanet 412181, MedGen C3809470, MONDO:0014180, OMIM 615425.

Allele frequency attached by ClinVar (database versions not stated): ExAC 0.00003; gnomAD exomes 0.00003; TOPMed 0.00003; gnomAD 0.00004; ESP Exome Variant Server 0.00016.
gnomAD v4.1: 53 of 1,613,552 alleles (0.0033%); highest among the groups gnomAD compares: African/African-American, 0.011%; no homozygotes.

Submission:

Labcorp Genetics (formerly Invitae), Labcorp
Classification: Uncertain significance for Epidermolysis bullosa simplex 3, localized or generalized intermediate, with BP230 deficiency; Hereditary sensory and autonomic neuropathy type 6. Last evaluated: 2025-06-24. Review status: criteria provided, single submitter. Criteria: Invitae Variant Classification Sherloc (09022015). Collection method: clinical testing. Allele origin: germline.
Comment: The DST gene has multiple clinically relevant transcripts. This variant occurs in alternate transcript NM_015548.4, and corresponds to NM_001723.5:c.*89146G>A in the primary transcript. This sequence change replaces arginine, which is basic and polar, with glutamine, which is neutral and polar, at codon 3417 of the DST protein (p.Arg3417Gln). This variant is present in population databases (rs376690317, gnomAD 0.02%). This variant has not been reported in the literature in individuals affected with DST-related conditions. Experimental studies and prediction algorithms are not available or were not evaluated, and the functional significance of this variant is currently unknown. In summary, the available evidence is currently insufficient to determine the role of this variant in disease. Therefore, it has been classified as a Variant of Uncertain Significance.